The following is an entry in ClinVar:

ClinVar aggregate classification (germline): Conflicting classifications of pathogenicity. Review status: criteria provided, conflicting classifications (1 of 4 stars). 7 submissions from 7 submitters: Uncertain significance (6); Likely benign (1). Last evaluated 2026-03-26.

Conditions:
Asphyxiating thoracic dystrophy 3. Also called: Short rib polydactyly syndrome 2B; SHORT-RIB THORACIC DYSPLASIA 3 WITH OR WITHOUT POLYDACTYLY; POLYDACTYLY WITH NEONATAL CHONDRODYSTROPHY, TYPE I; SHORT-RIB THORACIC DYSPLASIA 3/6 WITH POLYDACTYLY, DIGENIC; Saldino-Noonan Syndrome. Identifiers: Orphanet 474, Orphanet 93269, Orphanet 93270, Orphanet 93271, MedGen C0036069, MONDO:0013127, OMIM 613091.
Inborn genetic diseases. Identifiers: MedGen C0950123, MeSH D030342.
Jeune thoracic dystrophy. Also called: Short-rib thoracic dysplasia; Jeune syndrome; Infantile thoracic dystrophy; Thoracic pelvic phalangeal dystrophy; Jeune's syndrome; Chondroectodermal dysplasia-like syndrome. Identifiers: Orphanet 474, MedGen C0265275, MONDO:0018770.

Allele frequency attached by ClinVar (database versions not stated): ESP Exome Variant Server 0.00017; TOPMed 0.00017; gnomAD 0.00019; 1000 Genomes Project 0.00040; 1000 Genomes Project 30x 0.00047.

Submissions (7):

GeneDx
Classification: Uncertain significance. Last evaluated: 2026-03-26. Review status: criteria provided, single submitter. Criteria: GeneDx Variant Classification Process June 2021. Collection method: clinical testing. Allele origin: germline.
Comment: In silico analysis supports that this missense variant has a deleterious effect on protein structure/function; Has not been previously published as pathogenic or benign to our knowledge

Labcorp Genetics (formerly Invitae), Labcorp
Classification: Likely benign for Jeune thoracic dystrophy. Last evaluated: 2026-02-01. Review status: criteria provided, single submitter. Criteria: Invitae Variant Classification Sherloc (09022015). Collection method: clinical testing. Allele origin: germline.

Ambry Genetics
Classification: Uncertain significance for Inborn genetic diseases. Last evaluated: 2025-08-21. Review status: criteria provided, single submitter. Criteria: Ambry Variant Classification Scheme 2023. Collection method: clinical testing. Allele origin: germline.

Blueprint Genetics
Classification: Uncertain significance. Last evaluated: 2024-09-11. Review status: criteria provided, single submitter. Criteria: ACMG Guidelines, 2015. Collection method: clinical testing. Allele origin: germline.

ARUP Laboratories, Molecular Genetics and Genomics, ARUP Laboratories
Classification: Uncertain significance. Last evaluated: 2018-06-17. Review status: criteria provided, single submitter. Criteria: ARUP Molecular Germline Variant Investigation Process. Collection method: clinical testing. Allele origin: germline.
Comment: The DYNC2H1 c.12930C>A; p.Phe4310Leu variant (rs191971137), to our knowledge, is not described in the medical literature but is reported as a variant of uncertain significance in ClinVar (Variation ID: 290002) and observed in the general population at an overall frequency of 0.01% (39/274314 alleles) in the Genome Aggregation Database. The phenylalanine at codon 4310 is highly conserved, but computational algorithms (PolyPhen-2, SIFT) predict that this variant is tolerated. Due to limited information regarding this variant, its clinical significance cannot be determined with certainty. Pathogenic variants in DYNC2H1 follow autosomal recessive and digenic recessive (with NEK1 variants) inheritance patterns and are associated with short-rib thoracic dysplasia 3 with or without polydactyly (MIM: 613091).

Illumina Laboratory Services, Illumina
Classification: Uncertain significance for Asphyxiating thoracic dystrophy 3. Last evaluated: 2018-01-13. Review status: criteria provided, single submitter. Criteria: ICSL Variant Classification Criteria 13 December 2019. Collection method: clinical testing. Allele origin: germline.

Eurofins Ntd Llc (ga)
Classification: Uncertain significance. Last evaluated: 2016-09-08. Review status: criteria provided, single submitter. Criteria: EGL Classification Definitions 2015. Collection method: clinical testing. Allele origin: germline. Observed: 1 variant allele, 1 heterozygote.

NM_001377.3(DYNC2H1):c.12909C>A (p.Phe4303Leu)

Gene: DYNC2H1 (dynein cytoplasmic 2 heavy chain 1; plus strand). Cytogenetic location: 11q22.3.
Variant type: single nucleotide variant.
Coding change: c.12909C>A on transcript NM_001377.3 (MANE Select); coding-DNA position 12909, C replaced by A.
Protein change: p.Phe4303Leu; replaces phenylalanine 4303 with leucine.
Molecular consequence: missense variant.
Genome position (GRCh38, 1-based): chr11:103,479,238, C>A. VCF-style: chr11-103479238-C-A. GRCh37 (hg19) VCF-style: chr11-103349966-C-A.
Other names: c.12930C>A, p.Phe4310Leu (NM_001080463.2); short protein forms F4310L, F4303L.
Identifiers: ClinVar variation 290002 (VCV000290002.28), dbSNP rs191971137, ClinGen allele CA6255711.